The following is an entry in ClinVar:

ClinVar aggregate classification (germline): Uncertain significance. Review status: criteria provided, multiple submitters, no conflicts (2 of 4 stars). 2 submissions from 2 submitters: Uncertain significance (2). Last evaluated 2023-12-22.

Conditions:
Intellectual developmental disorder, autosomal dominant 45. Also called: MENTAL RETARDATION, AUTOSOMAL DOMINANT 45; Intellectual disability, autosomal dominant 45. Identifiers: MedGen C4539848, MONDO:0030910, OMIM 617600.
Inborn genetic diseases. Identifiers: MedGen C0950123, MeSH D030342.

Allele frequency attached by ClinVar (database versions not stated): TOPMed 0.00001.
gnomAD v4.1: 53 of 1,523,372 alleles (0.0035%); highest among the groups gnomAD compares: Middle Eastern, 0.019%; no homozygotes.

Submissions (2):

Ambry Genetics
Classification: Uncertain significance for Inborn genetic diseases. Last evaluated: 2023-12-22. Review status: criteria provided, single submitter. Criteria: Ambry Variant Classification Scheme 2023. Collection method: clinical testing. Allele origin: germline.

Centre for Mendelian Genomics, University Medical Centre Ljubljana
Classification: Uncertain significance for Intellectual developmental disorder, autosomal dominant 45. Last evaluated: 2020-03-09. Review status: criteria provided, single submitter. Criteria: ACMG Guidelines, 2015. Collection method: clinical testing. Allele origin: unknown. Affected: yes.
Comment: This variant was classified as: Uncertain significance. The available evidence on this variant's pathogenicity is insufficient or conflicting. The following ACMG criteria were applied in classifying this variant: PM2,BP4.

NM_001386298.1(CIC):c.7430C>T (p.Thr2477Met)

Gene: CIC (capicua transcriptional repressor; plus strand). Cytogenetic location: 19q13.2.
Variant type: single nucleotide variant.
Coding change: c.7430C>T on transcript NM_001386298.1 (MANE Select); coding-DNA position 7430, C replaced by T.
Protein change: p.Thr2477Met; replaces threonine 2477 with methionine.
Molecular consequence: missense variant.
Genome position (GRCh38, 1-based): chr19:42,295,067, C>T. VCF-style: chr19-42295067-C-T. GRCh37 (hg19) VCF-style: chr19-42799219-C-T.
Other names: c.7430C>T, p.Thr2477Met (NM_001304815.2); c.7427C>T, p.Thr2476Met (NM_001379480.1, NM_001379482.1); c.4697C>T, p.Thr1566Met (NM_001379484.1); c.4694C>T, p.Thr1565Met (NM_001379485.1); c.4703C>T, p.Thr1568Met (NM_015125.5); short protein forms T1568M, T1565M, T1566M, T2477M, T2476M.
Identifiers: ClinVar variation 930872 (VCV000930872.4), dbSNP rs920388530, ClinGen allele CA308636645.